The following is an entry in ClinVar:

NM_001352514.2(HLCS):c.599C>T (p.Pro200Leu)

Gene: HLCS (holocarboxylase synthetase; minus strand). Cytogenetic location: 21q22.13.
Variant type: single nucleotide variant.
Coding change: c.599C>T on transcript NM_001352514.2 (MANE Select); coding-DNA position 599, C replaced by T.
Protein change: p.Pro200Leu; replaces proline 200 with leucine.
Molecular consequence: missense variant. On other transcripts: non-coding transcript variant (2).
Genome position (GRCh38, 1-based): chr21:36,937,287, G>A on the plus strand (C>T on the coding strand, the complement: HLCS is on the minus strand). VCF-style: chr21-36937287-G-A. GRCh37 (hg19) VCF-style: chr21-38309587-G-A.
Other names: c.158C>T, p.Pro53Leu (NM_000411.8, NM_001242784.3, NM_001242785.2 and 4 more transcripts); short protein forms P200L, P53L.
Identifiers: ClinVar variation 2420338 (VCV002420338.5), dbSNP rs2517582611, ClinGen allele CA409913817.

ClinVar aggregate classification (germline): Uncertain significance (1 of 4 stars; one submission).

Conditions:
Holocarboxylase synthetase deficiency. Also called: MULTIPLE CARBOXYLASE DEFICIENCY, EARLY ONSET. Identifiers: Orphanet 79242, MedGen C0268581, MONDO:0009666, OMIM 253270.

Submission:

Labcorp Genetics (formerly Invitae), Labcorp
Classification: Uncertain significance for Holocarboxylase synthetase deficiency. Last evaluated: 2025-01-13. Review status: criteria provided, single submitter. Criteria: Invitae Variant Classification Sherloc (09022015). Collection method: clinical testing. Allele origin: germline.
Comment: This sequence change replaces proline, which is neutral and non-polar, with leucine, which is neutral and non-polar, at codon 53 of the HLCS protein (p.Pro53Leu). This variant is not present in population databases (gnomAD no frequency). This variant has not been reported in the literature in individuals affected with HLCS-related conditions. ClinVar contains an entry for this variant (Variation ID: 2420338). Invitae Evidence Modeling of protein sequence and biophysical properties (such as structural, functional, and spatial information, amino acid conservation, physicochemical variation, residue mobility, and thermodynamic stability) indicates that this missense variant is not expected to disrupt HLCS protein function with a negative predictive value of 95%. In summary, the available evidence is currently insufficient to determine the role of this variant in disease. Therefore, it has been classified as a Variant of Uncertain Significance.